The following is an entry in ClinVar:

ClinVar aggregate classification (germline): Pathogenic (1 of 4 stars; one submission).

Conditions:
Usher syndrome type 1C. Also called: USHER SYNDROME, TYPE I, ACADIAN VARIETY. Identifiers: Orphanet 231169, Orphanet 886, MedGen C1848604, MONDO:0010171, OMIM 276904.

Submission:

Myriad Genetics, Inc.
Classification: Pathogenic for Usher syndrome type 1C. Last evaluated: 2025-10-25. Review status: criteria provided, single submitter. Criteria: Myriad Autosomal Dominant, Autosomal Recessive and X-Linked Classification Criteria (2023). Collection method: clinical testing. Allele origin: unknown.
Comment: NM_005709.3(USH1C):c.178delG(D60Mfs*6) is expected to be pathogenic in the context of USH1C-related disorders. This variant is predicted to lead to an abnormal or absent protein product due to the creation of a premature termination codon in USH1C, a gene where loss-of-function variants are known to be pathogenic. Please note: this variant was assessed in the context of healthy population screening.

NM_153676.4(USH1C):c.178del (p.Asp60fs)

Gene: USH1C (USH1 protein network component harmonin; minus strand). Cytogenetic location: 11p15.1.
Variant type: Deletion.
Coding change: c.178del on transcript NM_153676.4 (MANE Select); coding-DNA position 178, one base deleted (G; older notation c.178delG).
Protein change: p.Asp60fs; shifts the reading frame from aspartic acid 60.
Molecular consequence: frameshift variant. On other transcripts: non-coding transcript variant (1).
Genome position (GRCh38, 1-based): chr11:17,531,469, C deleted on the plus strand (G on the coding strand, the reverse complement: USH1C is on the minus strand). VCF-style (leftmost placement, unchanged base first): chr11-17531468-TC-T. GRCh37 (hg19) VCF-style: chr11-17553015-TC-T.
Other names: c.178del, p.Asp60fs (NM_001297764.2, NM_001440680.1, NM_001440681.1 and 5 more transcripts); c.211del, p.Asp71fs (NM_001440679.1, NM_001440684.1, NM_001440686.1); short protein forms D60fs, D71fs.
Identifiers: ClinVar variation 5015143 (VCV005015143.1).